The following is an entry in ClinVar:

NM_024589.3(ROGDI):c.172C>G (p.Gln58Glu)

Gene: ROGDI (rogdi atypical leucine zipper; minus strand). Cytogenetic location: 16p13.3.
Variant type: single nucleotide variant.
Coding change: c.172C>G on transcript NM_024589.3 (MANE Select); coding-DNA position 172, C replaced by G.
Protein change: p.Gln58Glu; replaces glutamine 58 with glutamic acid.
Molecular consequence: missense variant. On other transcripts: non-coding transcript variant (1).
Genome position (GRCh38, 1-based): chr16:4,801,531, G>C on the plus strand (C>G on the coding strand, the complement: ROGDI is on the minus strand). VCF-style: chr16-4801531-G-C. GRCh37 (hg19) VCF-style: chr16-4851532-G-C.
Other names: c.172C>G (NM_024589.1); short protein forms Q58E.
Identifiers: ClinVar variation 1952126 (VCV001952126.6), dbSNP rs763609249, ClinGen allele CA7882938.
Genomic context (GRCh38, chr16:4,801,531, plus strand): 5'-ATTTCCCCGGTTTCCGCCTAGCCCAGGCTCACCCACAGCTGCCTAGGATGAAGTTCTCTT[G>C]CTTGGCGGGCCCCTCAGTGCCGGAGCCCGGCAGAGTGAAGCGCAGAGAGGCCTCCTGTGG-3'
Protein context (NP_078865.1, residues 48-68): PGSGTEGPAK[Gln58Glu]ENFILGSCGT

ClinVar aggregate classification (germline): Uncertain significance. Review status: criteria provided, multiple submitters, no conflicts (2 of 4 stars). 2 submissions from 2 submitters: Uncertain significance (2). Last evaluated 2025-05-07.

Conditions:
Inborn genetic diseases. Identifiers: MedGen C0950123, MeSH D030342.
Amelocerebrohypohidrotic syndrome (KTZS). Also called: KOHLSCHUTTER SYNDROME; Kohlschutter's syndrome; EPILEPSY AND YELLOW TEETH; EPILEPSY, DEMENTIA, AND AMELOGENESIS IMPERFECTA. Identifiers: Orphanet 1946, MedGen C0406740, MONDO:0009185, OMIM 226750.

Allele frequency attached by ClinVar (database versions not stated): gnomAD exomes below 0.00001; ExAC 0.00002; TOPMed 0.00002.
gnomAD v4.1: 5 of 1,607,004 alleles (0.00031%); highest among the groups gnomAD compares: South Asian, 0.0011%; no homozygotes.

Submissions (2):

Ambry Genetics
Classification: Uncertain significance for Inborn genetic diseases. Last evaluated: 2025-05-07. Review status: criteria provided, single submitter. Criteria: Ambry Variant Classification Scheme 2023. Collection method: clinical testing. Allele origin: germline.

Labcorp Genetics (formerly Invitae), Labcorp
Classification: Uncertain significance for Amelocerebrohypohidrotic syndrome. Last evaluated: 2023-10-13. Review status: criteria provided, single submitter. Criteria: Invitae Variant Classification Sherloc (09022015). Collection method: clinical testing. Allele origin: germline.
Comment: This sequence change replaces glutamine, which is neutral and polar, with glutamic acid, which is acidic and polar, at codon 58 of the ROGDI protein (p.Gln58Glu). This variant is present in population databases (rs763609249, gnomAD 0.001%). This variant has not been reported in the literature in individuals affected with ROGDI-related conditions. ClinVar contains an entry for this variant (Variation ID: 1952126). An algorithm developed to predict the effect of missense changes on protein structure and function (PolyPhen-2) suggests that this variant is likely to be tolerated. In summary, the available evidence is currently insufficient to determine the role of this variant in disease. Therefore, it has been classified as a Variant of Uncertain Significance.